The following is an entry in ClinVar:

NM_001101362.3(KBTBD13):c.589G>A (p.Ala197Thr)

Gene: KBTBD13 (kelch repeat and BTB domain containing 13; plus strand). Cytogenetic location: 15q22.31.
Variant type: single nucleotide variant.
Coding change: c.589G>A on transcript NM_001101362.3 (MANE Select); coding-DNA position 589, G replaced by A.
Protein change: p.Ala197Thr; replaces alanine 197 with threonine.
Molecular consequence: missense variant.
Genome position (GRCh38, 1-based): chr15:65,077,404, G>A. VCF-style: chr15-65077404-G-A. GRCh37 (hg19) VCF-style: chr15-65369742-G-A.
Other names: short protein forms A197T.
Identifiers: ClinVar variation 1990030 (VCV001990030.4), dbSNP rs2506308380, ClinGen allele CA392861634.

ClinVar aggregate classification (germline): Uncertain significance (1 of 4 stars; one submission).

Conditions:
Nemaline myopathy 6 (NEM6). Also called: Nemaline myopathy 6, autosomal dominant. Identifiers: Orphanet 171439, MedGen C1836472, MONDO:0012237, OMIM 609273.

Allele frequency attached by ClinVar (database versions not stated): gnomAD exomes below 0.00001.

Submission:

Labcorp Genetics (formerly Invitae), Labcorp
Classification: Uncertain significance for Nemaline myopathy 6. Last evaluated: 2022-06-24. Review status: criteria provided, single submitter. Criteria: Invitae Variant Classification Sherloc (09022015). Collection method: clinical testing. Allele origin: germline.
Comment: This variant is not present in population databases (gnomAD no frequency). In summary, the available evidence is currently insufficient to determine the role of this variant in disease. Therefore, it has been classified as a Variant of Uncertain Significance. Algorithms developed to predict the effect of missense changes on protein structure and function (SIFT, PolyPhen-2, Align-GVGD) all suggest that this variant is likely to be tolerated. This variant has not been reported in the literature in individuals affected with KBTBD13-related conditions. This sequence change replaces alanine, which is neutral and non-polar, with threonine, which is neutral and polar, at codon 197 of the KBTBD13 protein (p.Ala197Thr).